The following is an entry in ClinVar:

ClinVar aggregate classification (germline): Uncertain significance (1 of 4 stars; one submission).

Conditions:
Inborn genetic diseases. Identifiers: MedGen C0950123, MeSH D030342.

gnomAD v4.1: 4 of 1,613,734 alleles (0.00025%); highest among the groups gnomAD compares: East Asian, 0.0067%; no homozygotes.

Submission:

Ambry Genetics
Classification: Uncertain significance for Inborn genetic diseases. Last evaluated: 2025-03-28. Review status: criteria provided, single submitter. Criteria: Ambry Variant Classification Scheme 2023. Collection method: clinical testing. Allele origin: germline.
Comment: The p.A655T variant (also known as c.1963G>A), located in coding exon 1 of the SAMD9L gene, results from a G to A substitution at nucleotide position 1963. The alanine at codon 655 is replaced by threonine, an amino acid with similar properties. This amino acid position is conserved. In addition, this alteration is predicted to be tolerated by in silico analysis. Based on the available evidence, the clinical significance of this variant remains unclear.

NM_152703.5(SAMD9L):c.1963G>A (p.Ala655Thr)

Gene: SAMD9L (sterile alpha motif domain containing 9 like; minus strand). Cytogenetic location: 7q21.2.
Variant type: single nucleotide variant.
Coding change: c.1963G>A on transcript NM_152703.5 (MANE Select); coding-DNA position 1963, G replaced by A.
Protein change: p.Ala655Thr; replaces alanine 655 with threonine.
Molecular consequence: missense variant.
Genome position (GRCh38, 1-based): chr7:93,134,009, C>T on the plus strand (G>A on the coding strand, the complement: SAMD9L is on the minus strand). VCF-style: chr7-93134009-C-T. GRCh37 (hg19) VCF-style: chr7-92763322-C-T.
Other names: c.1963G>A, p.Ala655Thr (NM_001303496.3, NM_001303497.3, NM_001303498.3 and 5 more transcripts); short protein forms A655T.
Identifiers: ClinVar variation 3949775 (VCV003949775.1).